The following is an entry in ClinVar:

ClinVar aggregate classification (germline): Likely benign (1 of 4 stars; one submission).

Allele frequency attached by ClinVar (database versions not stated): TOPMed below 0.00001; gnomAD exomes 0.00001; gnomAD 0.00002.
gnomAD v4.1: 9 of 1,209,294 alleles (0.00074%); highest among the groups gnomAD compares: African/African-American, 0.0053%; no homozygotes.

Submission:

CeGaT Center for Human Genetics Tuebingen
Classification: Likely benign. Last evaluated: 2022-10-01. Review status: criteria provided, single submitter. Criteria: CeGaT Center For Human Genetics Tuebingen Variant Classification Criteria Version 2. Collection method: clinical testing. Allele origin: germline. Affected: yes. Observed: 1 variant allele.
Comment: MAGEB6: BP4, BP7

NM_173523.2(MAGEB6):c.870G>A (p.Ser290=)

Gene: MAGEB6 (MAGE family member B6; plus strand). Cytogenetic location: Xp21.3.
Variant type: single nucleotide variant.
Coding change: c.870G>A on transcript NM_173523.2 (MANE Select); coding-DNA position 870, G replaced by A.
Protein change: p.Ser290=; no amino-acid change (serine 290 retained).
Molecular consequence: synonymous variant.
Genome position (GRCh38, 1-based): chrX:26,194,716, G>A. VCF-style: chrX-26194716-G-A. GRCh37 (hg19) VCF-style: chrX-26212833-G-A.
Identifiers: ClinVar variation 2660208 (VCV002660208.24), dbSNP rs1334477080, ClinGen allele CA515948766.